The following is an entry in ClinVar:

NM_173804.5(TMEM86B):c.252G>C (p.Ser84=)

Genes: PPP6R1 (protein phosphatase 6 regulatory subunit 1; minus strand), TMEM86B (transmembrane protein 86B; minus strand). Cytogenetic location: 19q13.42.
Variant type: single nucleotide variant.
Coding change: c.252G>C on transcript NM_173804.5 (MANE Select); coding-DNA position 252, G replaced by C.
Protein change: p.Ser84=; no amino-acid change (serine 84 retained).
Molecular consequence: synonymous variant.
Genome position (GRCh38, 1-based): chr19:55,228,237, C>G on the plus strand (G>C on the coding strand, the complement: TMEM86B is on the minus strand). VCF-style: chr19-55228237-C-G. GRCh37 (hg19) VCF-style: chr19-55739605-C-G.
Other names: c.249G>C, p.Ser83= (NM_001372013.1).
Identifiers: ClinVar variation 3771604 (VCV003771604.13).

ClinVar aggregate classification (germline): Likely benign (1 of 4 stars; one submission).

Submission:

CeGaT Center for Human Genetics Tuebingen
Classification: Likely benign. Last evaluated: 2025-01-01. Review status: criteria provided, single submitter. Criteria: CeGaT Center For Human Genetics Tuebingen Variant Classification Criteria Version 2. Collection method: clinical testing. Allele origin: germline. Affected: yes. Observed: 1 variant allele.
Comment: TMEM86B: BP4, BP7